The following is an entry in ClinVar:

ClinVar aggregate classification (germline): Likely benign. Review status: criteria provided, single submitter (1 of 4 stars). 2 submissions from 2 submitters: Likely benign (1). 1 of the submissions does not count toward it. Last evaluated 2022-11-20.

Conditions:
PLXNA2-related disorder. Also called: PLXNA2-related condition.

Allele frequency attached by ClinVar (database versions not stated): gnomAD exomes 0.00002; ExAC 0.00008; ESP Exome Variant Server 0.00008; 1000 Genomes Project 30x 0.00016; TOPMed 0.00018; 1000 Genomes Project 0.00020; gnomAD 0.00020.
gnomAD v4.1: 57 of 1,614,190 alleles (0.0035%); highest among the groups gnomAD compares: African/African-American, 0.072%; no homozygotes.

Submissions (2):

Labcorp Genetics (formerly Invitae), Labcorp
Classification: Likely benign. Last evaluated: 2022-11-20. Review status: criteria provided, single submitter. Criteria: Invitae Variant Classification Sherloc (09022015). Collection method: clinical testing. Allele origin: germline.

PreventionGenetics, part of Exact Sciences
Classification: Likely benign for PLXNA2-related condition. Last evaluated: 2021-06-16. Review status: no assertion criteria provided. Collection method: clinical testing. Allele origin: germline. Not counted in ClinVar's aggregate classification.
Comment: This variant is classified as likely benign based on ACMG/AMP sequence variant interpretation guidelines (Richards et al. 2015 PMID: 25741868, with internal and published modifications).

NM_025179.4(PLXNA2):c.3279C>T (p.Thr1093=)

Gene: PLXNA2 (plexin A2; minus strand). Cytogenetic location: 1q32.2.
Variant type: single nucleotide variant.
Coding change: c.3279C>T on transcript NM_025179.4 (MANE Select); coding-DNA position 3279, C replaced by T.
Protein change: p.Thr1093=; no amino-acid change (threonine 1093 retained).
Molecular consequence: synonymous variant.
Genome position (GRCh38, 1-based): chr1:208,046,094, G>A on the plus strand (C>T on the coding strand, the complement: PLXNA2 is on the minus strand). VCF-style: chr1-208046094-G-A. GRCh37 (hg19) VCF-style: chr1-208219439-G-A.
Other names: c.3279C>T (NM_025179.3).
Identifiers: ClinVar variation 2916208 (VCV002916208.5), dbSNP rs76872162, ClinGen allele CA1373217.